The following is an entry in ClinVar:

ClinVar aggregate classification (germline): Likely benign (0 of 4 stars; one submission).

Conditions:
ZMYM2-related disorder. Also called: ZMYM2-related condition.

Allele frequency attached by ClinVar (database versions not stated): ExAC 0.00001; gnomAD 0.00001.
gnomAD v4.1: 26 of 1,613,162 alleles (0.0016%); highest among the groups gnomAD compares: Non-Finnish European, 0.0022%; no homozygotes.

Submission:

PreventionGenetics, part of Exact Sciences
Classification: Likely benign for ZMYM2-related condition. Last evaluated: 2022-11-30. Review status: no assertion criteria provided. Collection method: clinical testing. Allele origin: germline.
Comment: This variant is classified as likely benign based on ACMG/AMP sequence variant interpretation guidelines (Richards et al. 2015 PMID: 25741868, with internal and published modifications).

NM_197968.4(ZMYM2):c.2910C>T (p.Asn970=)

Gene: ZMYM2 (zinc finger MYM-type containing 2; plus strand). Cytogenetic location: 13q12.11.
Variant type: single nucleotide variant.
Coding change: c.2910C>T on transcript NM_197968.4 (MANE Select); coding-DNA position 2910, C replaced by T.
Protein change: p.Asn970=; no amino-acid change (asparagine 970 retained).
Molecular consequence: synonymous variant. On other transcripts: non-coding transcript variant (1).
Genome position (GRCh38, 1-based): chr13:20,061,223, C>T. VCF-style: chr13-20061223-C-T. GRCh37 (hg19) VCF-style: chr13-20635363-C-T.
Other names: c.2910C>T, p.Asn970= (NM_001190964.4, NM_001190965.4, NM_001353157.2 and 5 more transcripts); c.2715C>T, p.Asn905= (NM_001353161.3); c.2649C>T, p.Asn883= (NM_001353163.2).
Identifiers: ClinVar variation 3058108 (VCV003058108.2), dbSNP rs748593159, ClinGen allele CA6903720.